The following is an entry in ClinVar:

ClinVar aggregate classification (germline): Likely benign. Review status: criteria provided, single submitter (1 of 4 stars). 2 submissions from 2 submitters: Likely benign (1). 1 of the submissions does not count toward it. Last evaluated 2022-04-28.

Conditions:
PRKAG2-related disorder. Also called: PRKAG2-related disorders; PRKAG2-related condition.
Lethal congenital glycogen storage disease of heart. Also called: GLYCOGEN STORAGE DISEASE OF HEART; PHOSPHORYLASE KINASE DEFICIENCY OF HEART. Identifiers: Orphanet 439854, MedGen C1849813, MONDO:0009867, OMIM 261740.

Submissions (2):

Labcorp Genetics (formerly Invitae), Labcorp
Classification: Likely benign for Lethal congenital glycogen storage disease of heart. Last evaluated: 2022-04-28. Review status: criteria provided, single submitter. Criteria: Invitae Variant Classification Sherloc (09022015). Collection method: clinical testing. Allele origin: germline.

PreventionGenetics, part of Exact Sciences
Classification: Likely benign for PRKAG2-related condition. Last evaluated: 2022-03-08. Review status: no assertion criteria provided. Collection method: clinical testing. Allele origin: germline. Not counted in ClinVar's aggregate classification.
Comment: This variant is classified as likely benign based on ACMG/AMP sequence variant interpretation guidelines (Richards et al. 2015 PMID: 25741868, with internal and published modifications).

NM_016203.4(PRKAG2):c.1305C>T (p.Asn435=)

Gene: PRKAG2 (protein kinase AMP-activated non-catalytic subunit gamma 2; minus strand). Cytogenetic location: 7q36.1.
Variant type: single nucleotide variant.
Coding change: c.1305C>T on transcript NM_016203.4 (MANE Select); coding-DNA position 1305, C replaced by T.
Protein change: p.Asn435=; no amino-acid change (asparagine 435 retained).
Molecular consequence: synonymous variant.
Genome position (GRCh38, 1-based): chr7:151,565,814, G>A on the plus strand (C>T on the coding strand, the complement: PRKAG2 is on the minus strand). VCF-style: chr7-151565814-G-A. GRCh37 (hg19) VCF-style: chr7-151262900-G-A.
Other names: c.1305C>T (NM_016203.3); c.1173C>T, p.Asn391= (NM_001040633.2, NM_001407024.1); c.930C>T, p.Asn310= (NM_001304527.2, NM_001407029.1); c.582C>T, p.Asn194= (NM_001304531.2, NM_001407034.1, NM_001407035.1 and 1 more transcripts); c.933C>T, p.Asn311= (NM_001363698.2, NM_001407028.1); c.1305C>T, p.Asn435= (NM_001407021.1); c.1302C>T, p.Asn434= (NM_001407022.1, NM_001407023.1); c.1170C>T, p.Asn390= (NM_001407026.1, NM_001407027.1); and 7 more.
Identifiers: ClinVar variation 1955770 (VCV001955770.7), dbSNP rs2536296781, ClinGen allele CA458666499.